The following is an entry in ClinVar:

ClinVar aggregate classification (germline): Uncertain significance (1 of 4 stars; one submission).

Allele frequency attached by ClinVar (database versions not stated): ExAC 0.00004; TOPMed 0.00005; gnomAD exomes 0.00006; gnomAD 0.00007.
gnomAD v4.1: 101 of 1,613,594 alleles (0.0063%); highest among the groups gnomAD compares: Non-Finnish European, 0.008%; 1 homozygote.

Submission:

Ambry Genetics
Classification: Uncertain significance. Last evaluated: 2026-01-05. Review status: criteria provided, single submitter. Criteria: Ambry Variant Classification Scheme 2023. Collection method: clinical testing. Allele origin: germline.
Comment: The c.20T>C (p.M7T) alteration is located in exon 2 (coding exon 1) of the GSTM3 gene. This alteration results from a T to C substitution at nucleotide position 20, causing the methionine (M) at amino acid position 7 to be replaced by a threonine (T). Based on data from gnomAD, the C allele has an overall frequency of 0.005% (14/279362) total alleles studied. The highest observed frequency was 0.01% (13/126254) of European (non-Finnish) alleles. Based on insufficient or conflicting evidence, the clinical significance of this alteration remains unclear.

NM_000849.5(GSTM3):c.20T>C (p.Met7Thr)

Genes: GSTM3 (glutathione S-transferase mu 3; minus strand), LOC129931114 (ATAC-STARR-seq lymphoblastoid silent region 1158; plus strand). Cytogenetic location: 1p13.3.
Variant type: single nucleotide variant.
Coding change: c.20T>C on transcript NM_000849.5 (MANE Select); coding-DNA position 20, T replaced by C.
Protein change: p.Met7Thr; replaces methionine 7 with threonine.
Molecular consequence: missense variant. On other transcripts: non-coding transcript variant (1).
Genome position (GRCh38, 1-based): chr1:109,740,268, A>G on the plus strand (T>C on the coding strand, the complement: GSTM3 is on the minus strand). VCF-style: chr1-109740268-A-G. GRCh37 (hg19) VCF-style: chr1-110282890-A-G.
Other names: short protein forms M7T.
Identifiers: ClinVar variation 2264969 (VCV002264969.3), dbSNP rs779498787, ClinGen allele CA995075.